The following is an entry in ClinVar:

ClinVar aggregate classification (germline): Pathogenic (1 of 4 stars; one submission).

Conditions:
Epidermolysis bullosa simplex with nail dystrophy (EBS5D). Identifiers: MedGen C4225309, MONDO:0014661, OMIM 616487.
Epidermolysis bullosa simplex, Ogna type (EBS5A). Also called: Pidermolysis bullosa simplex 5A, Ogna type; EPIDERMOLYSIS BULLOSA SIMPLEX 5A, OGNA TYPE. Identifiers: Orphanet 79401, MedGen C0432317, MONDO:0007555, OMIM 131950.
Autosomal recessive limb-girdle muscular dystrophy type 2Q (LGMDR17). Also called: MUSCULAR DYSTROPHY, LIMB-GIRDLE, AUTOSOMAL RECESSIVE 17. Identifiers: Orphanet 254361, MedGen C3150989, MONDO:0013390, OMIM 613723.
Epidermolysis bullosa simplex 5B, with muscular dystrophy (EBS5B). Also called: EPIDERMOLYSIS BULLOSA SIMPLEX AND LIMB-GIRDLE MUSCULAR DYSTROPHY; Epidermolysis bullosa simplex with muscular dystrophy. Identifiers: Orphanet 257, MedGen C2931072, MONDO:0009181, OMIM 226670.
Epidermolysis bullosa simplex 5C, with pyloric atresia (EBS5C). Also called: PLEC-Related Epidermolysis Bullosa with Pyloric Atresia; Epidermolysis bullosa simplex with pyloric atresia; PLEC1-Related Epidermolysis Bullosa with Pyloric Atresia. Identifiers: Orphanet 158684, MedGen C2677349, MONDO:0012807, OMIM 612138.

Submission:

Labcorp Genetics (formerly Invitae), Labcorp
Classification: Pathogenic for Autosomal recessive limb-girdle muscular dystrophy type 2Q; Epidermolysis bullosa simplex, Ogna type; Epidermolysis bullosa simplex with nail dystrophy; Epidermolysis bullosa simplex 5C, with pyloric atresia; Epidermolysis bullosa simplex 5B, with muscular dystrophy. Last evaluated: 2023-03-08. Review status: criteria provided, single submitter. Criteria: Invitae Variant Classification Sherloc (09022015). Collection method: clinical testing. Allele origin: germline.
Comment: This sequence change creates a premature translational stop signal (p.Glu1909Alafs*8) in the PLEC gene. It is expected to result in an absent or disrupted protein product. Loss-of-function variants in PLEC are known to be pathogenic (PMID: 20301336, 20447487, 21109228, 23289980, 28824526). This variant is not present in population databases (gnomAD no frequency). This variant has not been reported in the literature in individuals affected with PLEC-related conditions. For these reasons, this variant has been classified as Pathogenic.

Literature cited by the submitters: PubMed 20301336; PubMed 20447487; PubMed 21109228; PubMed 23289980; PubMed 28824526.

NM_201384.3(PLEC):c.5645_5646del (p.Glu1882fs)

Gene: PLEC (plectin; minus strand). Cytogenetic location: 8q24.3.
Variant type: Deletion.
Coding change: c.5645_5646del on transcript NM_201384.3 (MANE Select); coding-DNA positions 5645 to 5646, 2 bases deleted (AG; older notation c.5645_5646delAG).
Protein change: p.Glu1882fs; shifts the reading frame from glutamic acid 1882.
Molecular consequence: frameshift variant. On other transcripts: intron variant (1).
Genome position (GRCh38, 1-based): chr8:143,924,283-143,924,284, CT deleted on the plus strand (AG on the coding strand, the reverse complement: PLEC is on the minus strand); deleting any 2 consecutive bases within chr8:143,924,283-143,924,285 gives the same sequence; the c. name uses the placement nearest the transcript's 3' end. VCF-style (leftmost placement, unchanged base first): chr8-143924282-GCT-G. GRCh37 (hg19) VCF-style: chr8-144998450-GCT-G.
Other names: c.5726_5727del, p.Glu1909fs (NM_000445.5); c.5603_5604del, p.Glu1868fs (NM_201378.4); c.5579_5580del, p.Glu1860fs (NM_201379.3); c.6056_6057del, p.Glu2019fs (NM_201380.4); c.5549_5550del, p.Glu1850fs (NM_201381.3); c.5645_5646del, p.Glu1882fs (NM_201382.4); c.5657_5658del, p.Glu1886fs (NM_201383.3); c.4126-1889_4126-1888del (NM_001410941.1); short protein forms E1850fs, E1868fs, E1882fs, E2019fs, E1860fs, E1886fs, E1909fs.
Identifiers: ClinVar variation 2945102 (VCV002945102.3), dbSNP rs2537875648, ClinGen allele CA2740095394.